The following is an entry in ClinVar:

NM_006031.6(PCNT):c.7082A>C (p.Gln2361Pro)

Gene: PCNT (pericentrin; plus strand). Cytogenetic location: 21q22.3.
Variant type: single nucleotide variant.
Coding change: c.7082A>C on transcript NM_006031.6 (MANE Select); coding-DNA position 7082, A replaced by C.
Protein change: p.Gln2361Pro; replaces glutamine 2361 with proline.
Molecular consequence: missense variant.
Genome position (GRCh38, 1-based): chr21:46,422,027, A>C. VCF-style: chr21-46422027-A-C. GRCh37 (hg19) VCF-style: chr21-47841941-A-C.
Other names: c.6728A>C, p.Gln2243Pro (NM_001315529.2); short protein forms Q2361P, Q2243P.
Identifiers: ClinVar variation 4983576 (VCV004983576.1).

ClinVar aggregate classification (germline): Uncertain significance (1 of 4 stars; one submission).

Conditions:
PCNT-related disorder. Also called: PCNT-related condition.

Submission:

PreventionGenetics, part of Exact Sciences
Classification: Uncertain significance for PCNT-related condition. Last evaluated: 2026-09-22. Review status: criteria provided, single submitter. Criteria: ACMG Guidelines, 2015. Collection method: clinical testing. Allele origin: germline.
Comment: The PCNT c.7082A>C variant is predicted to result in the amino acid substitution p.Gln2361Pro. To our knowledge, this variant has not been reported in the literature or in a large population database (gnomAD), indicating this variant is rare. At this time, the clinical significance of this variant is uncertain due to the absence of conclusive functional and genetic evidence.